The following is an entry in ClinVar:

NM_007294.4(BRCA1):c.1030G>A (p.Ala344Thr)

Gene: BRCA1 (BRCA1 DNA repair associated; minus strand). Cytogenetic location: 17q21.31.
Variant type: single nucleotide variant.
Coding change: c.1030G>A on transcript NM_007294.4 (MANE Select); coding-DNA position 1030, G replaced by A.
Protein change: p.Ala344Thr; replaces alanine 344 with threonine.
Molecular consequence: missense variant. On other transcripts: intron variant (137).
Genome position (GRCh38, 1-based): chr17:43,094,501, C>T on the plus strand (G>A on the coding strand, the complement: BRCA1 is on the minus strand). VCF-style: chr17-43094501-C-T. GRCh37 (hg19) VCF-style: chr17-41246518-C-T.
Other names: c.817G>A, p.Ala273Thr (NM_001407571.1, NM_001407853.1, NM_001407894.1 and 9 more transcripts); c.1030G>A, p.Ala344Thr (NM_001407581.1, NM_001407582.1, NM_001407583.1 and 30 more transcripts); c.1027G>A, p.Ala343Thr (NM_001407587.1, NM_001407590.1, NM_001407591.1 and 22 more transcripts); c.1021G>A, p.Ala341Thr (NM_001407646.1, NM_001407647.1); c.907G>A, p.Ala303Thr (NM_001407648.1, NM_001407664.1, NM_001407665.1 and 19 more transcripts); c.904G>A, p.Ala302Thr (NM_001407649.1, NM_001407670.1, NM_001407671.1 and 11 more transcripts); c.952G>A, p.Ala318Thr (NM_001407653.1, NM_001407654.1, NM_001407655.1 and 4 more transcripts); c.949G>A, p.Ala317Thr (NM_001407659.1, NM_001407660.1, NM_001407661.1 and 1 more transcripts); and 40 more; short protein forms A344T, A297T, A276T, A303T, A317T, A176T, A216T, A233T.
Identifiers: ClinVar variation 54104 (VCV000054104.27), dbSNP rs79727659, ClinGen allele CA000694.
Genomic context (GRCh38, chr17:43,094,501, plus strand): 5'-GATTCTCTGAGCATGGCAGTTTCTGCTTATTCCATTCTTTTCTCTCACACAGGGGATCAG[C>T]ATTCAGATCTACCTTTTTTTCTGTGCTGGGAGTCCGCCTATCATTACATGTTTCCTTACT-3'
Protein context (NP_009225.1, residues 334-354): PSTEKKVDLN[Ala344Thr]DPLCERKEWN

ClinVar aggregate classification (germline): Conflicting classifications of pathogenicity. Review status: criteria provided, conflicting classifications (1 of 4 stars). 11 submissions from 11 submitters: Uncertain significance (7); Likely benign (1). 3 of the submissions do not count toward it. Last evaluated 2026-06-03.

Conditions:
BRCA1-related disorder. Also called: BRCA1-related condition.
Hereditary cancer-predisposing syndrome. Also called: Tumor predisposition; Neoplastic Syndromes, Hereditary; Hereditary Cancer Syndrome; Hereditary neoplastic syndrome. Identifiers: Orphanet 140162, MedGen C0027672, MeSH D009386, MONDO:0015356.
Hereditary breast ovarian cancer syndrome. Also called: Hereditary breast and ovarian cancer syndrome (HBOC); Hereditary breast and ovarian cancer syndrome; Hereditary breast and ovarian cancer; Hereditary breast and/or ovarian cancer syndrome; Breast and ovarian cancer; BRCA1- and BRCA2-Associated Hereditary Breast and Ovarian Cancer. Identifiers: Orphanet 145, MedGen C0677776, MeSH D061325, MONDO:0003582. Disease mechanism: loss of function.
Breast-ovarian cancer, familial, susceptibility to, 1 (BROVCA1). Also called: OVARIAN CANCER, SUSCEPTIBILITY TO; BRCA1 Hereditary Breast and Ovarian Cancer. Identifiers: Orphanet 145, MedGen C2676676, MONDO:0011450, OMIM 604370. Disease mechanism: loss of function.

Allele frequency attached by ClinVar (database versions not stated): ExAC 0.00001; gnomAD exomes 0.00001.

Submissions (11):

PreventionGenetics, part of Exact Sciences
Classification: Uncertain significance for BRCA1-related condition. Last evaluated: 2026-06-03. Review status: criteria provided, single submitter. Criteria: ACMG Guidelines, 2015. Collection method: clinical testing. Allele origin: germline.
Comment: The BRCA1 c.1030G>A variant is predicted to result in the amino acid substitution p.Ala344Thr. This variant was reported in a cohort of individuals who underwent diagnostic genetic testing for BRCA1 (Judkins et al. 2005. PubMed ID: 16267036). This variant is reported in 0.0018% of alleles in individuals of European (Non-Finnish) descent in gnomAD and has conflicting interpretations in ClinVar ranging from likely benign to uncertain (Variation ID: 54104). At this time, the clinical significance of this variant is uncertain due to the absence of conclusive functional and genetic evidence.

Quest Diagnostics Nichols Institute San Juan Capistrano
Classification: Uncertain significance. Last evaluated: 2025-09-08. Review status: criteria provided, single submitter. Criteria: Quest Diagnostics criteria. Collection method: clinical testing. Allele origin: unknown.
Comment: The BRCA1 c.1030G>A (p.Ala344Thr) variant has been reported in the published literature to be located in a region of the BRCA1 gene that is tolerant to missense sequence changes (PMID: 31911673 (2020)). In a large scale breast cancer association study, this variant has been observed in breast cancer cases and reportedly unaffected individuals (PMID: 33471991 (2021), see also LOVD). This variant co-occurred with a pathogenic variant in the BRCA1 gene in individuals from our internal patient population, suggesting it may not be the primary cause of disease. The frequency of this variant in the general population (Genome Aggregation Database) is uninformative in the assessment of its pathogenicity. Analysis of this variant using bioinformatics tools for the prediction of the effect of amino acid changes on protein structure and function yielded predictions that this variant is benign. Based on the available information, we are unable to determine the clinical significance of this variant.

Women's Health and Genetics/Laboratory Corporation of America, LabCorp
Classification: Uncertain significance. Last evaluated: 2025-03-27. Review status: criteria provided, single submitter. Criteria: LabCorp Variant Classification Summary - May 2015. Collection method: clinical testing. Allele origin: germline.
Comment: Variant summary: BRCA1 c.1030G>A (p.Ala344Thr) results in a non-conservative amino acid change in the encoded protein sequence. Four of five in-silico tools predict a benign effect of the variant on protein function. The variant allele was found at a frequency of 8e-06 in 251244 control chromosomes. The available data on variant occurrences in the general population are insufficient to allow any conclusion about variant significance. c.1030G>A has been reported in the presumed heterozygous state in the literature in individuals affected with Hereditary Breast And Ovarian Cancer Syndrome (example, Judkins_2005, Pavlicek_2004) as well as in the BIC database. These report(s) do not provide unequivocal conclusions about association of the variant with Hereditary Breast And Ovarian Cancer Syndrome. Co-occurrences with other pathogenic variant(s) have been reported (BRCA1 c.1674_1674delA, p.Gly559Valfs*13; BIC database and internal Labcorp data) with at least 1 of these co-occurrences confirmed in cis but none confirmed in trans, providing supporting evidence for a benign role. To our knowledge, no experimental evidence demonstrating an impact on protein function has been reported. The following publications have been ascertained in the context of this evaluation (PMID: 16267036, 15385441). ClinVar contains an entry for this variant (Variation ID: 54104). Based on the evidence outlined above, the variant was classified as VUS-possibly benign.

Labcorp Genetics (formerly Invitae), Labcorp
Classification: Uncertain significance for Hereditary breast ovarian cancer syndrome. Last evaluated: 2024-12-10. Review status: criteria provided, single submitter. Criteria: Invitae Variant Classification Sherloc (09022015). Collection method: clinical testing. Allele origin: germline.
Comment: This sequence change replaces alanine, which is neutral and non-polar, with threonine, which is neutral and polar, at codon 344 of the BRCA1 protein (p.Ala344Thr). This variant is present in population databases (rs79727659, gnomAD 0.002%). This missense change has been observed in individual(s) with hereditary breast and/or ovarian cancer (PMID: 16267036). ClinVar contains an entry for this variant (Variation ID: 54104). Invitae Evidence Modeling of protein sequence and biophysical properties (such as structural, functional, and spatial information, amino acid conservation, physicochemical variation, residue mobility, and thermodynamic stability) indicates that this missense variant is not expected to disrupt BRCA1 protein function with a negative predictive value of 80%. In summary, the available evidence is currently insufficient to determine the role of this variant in disease. Therefore, it has been classified as a Variant of Uncertain Significance.

GeneDx
Classification: Uncertain significance. Last evaluated: 2024-04-22. Review status: criteria provided, single submitter. Criteria: GeneDx Variant Classification Process June 2021. Collection method: clinical testing. Allele origin: germline. Affected: yes.
Comment: Observed in individuals with breast cancer and in unaffected controls (PMID: 33471991); In silico analysis supports that this missense variant has a deleterious effect on protein structure/function; Not observed at significant frequency in large population cohorts (gnomAD); Also known as 1149G>A; This variant is associated with the following publications: (PMID: 20215511, 11521194, 10426999, 9582019, 9926942, 15343273, 32377563, 33471991, 29884841, 31131967, 16267036)

Ambry Genetics
Classification: Uncertain significance for Hereditary cancer-predisposing syndrome. Last evaluated: 2024-01-17. Review status: criteria provided, single submitter. Criteria: Ambry Variant Classification Scheme 2023. Collection method: clinical testing. Allele origin: germline.
Comment: The p.A344T variant (also known as c.1030G>A), located in coding exon 9 of the BRCA1 gene, results from a G to A substitution at nucleotide position 1030. The alanine at codon 344 is replaced by threonine, an amino acid with similar properties. This amino acid position is poorly conserved in available vertebrate species. In addition, the in silico prediction for this alteration is inconclusive. Since supporting evidence is limited at this time, the clinical significance of this alteration remains unclear.

University of Washington Department of Laboratory Medicine, University of Washington
Classification: Likely benign for Hereditary cancer-predisposing syndrome. Last evaluated: 2023-03-23. Review status: criteria provided, single submitter. Criteria: Dines et al. (Genet Med. 2020). Collection method: curation. Allele origin: germline.
Comment: Missense variant in a coldspot region where missense variants are very unlikely to be pathogenic (PMID:31911673).

BRCA1 coldspot (exon 11 using historical exon numbering). Reclassification based on statistical prior probability

Color Diagnostics, LLC DBA Color Health
Classification: Uncertain significance for Hereditary cancer-predisposing syndrome. Last evaluated: 2019-06-22. Review status: criteria provided, single submitter. Criteria: ACMG Guidelines, 2015. Collection method: clinical testing. Allele origin: germline.

BRCAlab, Lund University
Classification: Uncertain significance for Breast-ovarian cancer, familial, susceptibility to, 1. Last evaluated: 2020-03-02. Review status: no assertion criteria provided. Collection method: clinical testing. Allele origin: germline. Affected: yes. Not counted in ClinVar's aggregate classification.

Counsyl
Classification: Uncertain significance for Breast-ovarian cancer, familial, susceptibility to, 1. Last evaluated: 2017-11-14. Review status: no assertion criteria provided. Collection method: clinical testing. Allele origin: unknown. Not counted in ClinVar's aggregate classification.

Breast Cancer Information Core (BIC) (BRCA1)
Classification: Uncertain significance for Breast-ovarian cancer, familial 1. Last evaluated: 2003-12-23. Review status: no assertion criteria provided. Collection method: clinical testing. Allele origin: germline. Affected: yes. Observed: 2 variant alleles. Not counted in ClinVar's aggregate classification.

Literature cited by the submitters: PubMed 31911673 (cited by Quest Diagnostics Nichols Institute San Juan Capistrano); PubMed 38709234 (cited by Quest Diagnostics Nichols Institute San Juan Capistrano); PubMed 16267036 (cited by 4 submitters); PubMed 33471991 (cited by Quest Diagnostics Nichols Institute San Juan Capistrano); PubMed 15385441 (cited by Women's Health and Genetics/Laboratory Corporation of America, LabCorp).